The following is an entry in ClinVar:

NM_145698.5(ACBD5):c.659A>C (p.Lys220Thr)

Gene: ACBD5 (acyl-CoA binding domain containing 5; minus strand). Cytogenetic location: 10p12.1.
Variant type: single nucleotide variant.
Coding change: c.659A>C on transcript NM_145698.5 (MANE Select); coding-DNA position 659, A replaced by C.
Protein change: p.Lys220Thr; replaces lysine 220 with threonine.
Molecular consequence: missense variant. On other transcripts: intron variant (6).
Genome position (GRCh38, 1-based): chr10:27,218,150, T>G on the plus strand (A>C on the coding strand, the complement: ACBD5 is on the minus strand). VCF-style: chr10-27218150-T-G. GRCh37 (hg19) VCF-style: chr10-27507079-T-G.
Other names: c.554A>C, p.Lys185Thr (NM_001042473.4, NM_001352577.2, NM_001352578.2 and 1 more transcripts); c.653A>C, p.Lys218Thr (NM_001271512.3); c.332A>C, p.Lys111Thr (NM_001301251.2, NM_001301252.2, NM_001301253.2 and 2 more transcripts); c.713A>C, p.Lys238Thr (NM_001352568.1); c.692A>C, p.Lys231Thr (NM_001352569.1); c.659A>C, p.Lys220Thr (NM_001352570.1); c.686A>C, p.Lys229Thr (NM_001352571.1); c.680A>C, p.Lys227Thr (NM_001352572.1); and 10 more; short protein forms K227T, K167T, K196T, K218T, K220T, K238T, K111T, K122T.
Identifiers: ClinVar variation 1448616 (VCV001448616.3), dbSNP rs745591010, ClinGen allele CA5450855.

ClinVar aggregate classification (germline): Uncertain significance (1 of 4 stars; one submission).

Allele frequency attached by ClinVar (database versions not stated): gnomAD exomes 0.00003 and 0.00006; ExAC 0.00004; TOPMed 0.00004.
gnomAD v4.1: 19 of 1,614,092 alleles (0.0012%); highest among the groups gnomAD compares: Admixed American, 0.032%; no homozygotes.

Submission:

Labcorp Genetics (formerly Invitae), Labcorp
Classification: Uncertain significance. Last evaluated: 2022-07-12. Review status: criteria provided, single submitter. Criteria: Invitae Variant Classification Sherloc (09022015). Collection method: clinical testing. Allele origin: germline.
Comment: This sequence change replaces lysine, which is basic and polar, with threonine, which is neutral and polar, at codon 220 of the ACBD5 protein (p.Lys220Thr). This variant is present in population databases (rs745591010, gnomAD 0.05%). This variant has not been reported in the literature in individuals affected with ACBD5-related conditions. ClinVar contains an entry for this variant (Variation ID: 1448616). Algorithms developed to predict the effect of missense changes on protein structure and function (SIFT, PolyPhen-2, Align-GVGD) all suggest that this variant is likely to be tolerated. In summary, the available evidence is currently insufficient to determine the role of this variant in disease. Therefore, it has been classified as a Variant of Uncertain Significance.